The following is an entry in ClinVar:

ClinVar aggregate classification (germline): Uncertain significance (1 of 4 stars; one submission).

Submission:

Ambry Genetics
Classification: Uncertain significance. Last evaluated: 2024-10-28. Review status: criteria provided, single submitter. Criteria: Ambry Variant Classification Scheme 2023. Collection method: clinical testing. Allele origin: germline.
Comment: The p.T701I variant (also known as c.2102C>T), located in coding exon 18 of the BUB1 gene, results from a C to T substitution at nucleotide position 2102. The threonine at codon 701 is replaced by isoleucine, an amino acid with similar properties. This amino acid position is conserved. In addition, this alteration is predicted to be tolerated by in silico analysis. Based on the available evidence, the clinical significance of this variant remains unclear.

NM_004336.5(BUB1):c.2102C>T (p.Thr701Ile)

Gene: BUB1 (BUB1 mitotic checkpoint serine/threonine kinase; minus strand). Cytogenetic location: 2q13.
Variant type: single nucleotide variant.
Coding change: c.2102C>T on transcript NM_004336.5 (MANE Select); coding-DNA position 2102, C replaced by T.
Protein change: p.Thr701Ile; replaces threonine 701 with isoleucine.
Molecular consequence: missense variant.
Genome position (GRCh38, 1-based): chr2:110,650,647, G>A on the plus strand (C>T on the coding strand, the complement: BUB1 is on the minus strand). VCF-style: chr2-110650647-G-A. GRCh37 (hg19) VCF-style: chr2-111408224-G-A.
Other names: c.2042C>T, p.Thr681Ile (NM_001278616.2); c.2102C>T, p.Thr701Ile (NM_001278617.2); short protein forms T681I, T701I.
Identifiers: ClinVar variation 3483090 (VCV003483090.1).